The following is an entry in ClinVar:

ClinVar aggregate classification (germline): Benign (0 of 4 stars; one submission).

Conditions:
HAVCR1-related disorder. Also called: HAVCR1-related condition.

Allele frequency attached by ClinVar (database versions not stated): 1000 Genomes Project 30x 0.22299; 1000 Genomes Project 0.22624; ESP Exome Variant Server 0.24688; TOPMed 0.26054; gnomAD 0.26139; ExAC 0.27917.
gnomAD v4.1: 454,210 of 1,610,364 alleles (28%); highest among the groups gnomAD compares: Admixed American, 40%; 66,117 homozygotes.

Submission:

PreventionGenetics, part of Exact Sciences
Classification: Benign for HAVCR1-related condition. Last evaluated: 2019-10-17. Review status: no assertion criteria provided. Collection method: clinical testing. Allele origin: germline.
Comment: This variant is classified as benign based on ACMG/AMP sequence variant interpretation guidelines (Richards et al. 2015 PMID: 25741868, with internal and published modifications).

NM_001173393.3(HAVCR1):c.619A>G (p.Thr207Ala)

Gene: HAVCR1 (hepatitis A virus cellular receptor 1; minus strand). Cytogenetic location: 5q33.3.
Variant type: single nucleotide variant.
Coding change: c.619A>G on transcript NM_001173393.3 (MANE Select); coding-DNA position 619, A replaced by G.
Protein change: p.Thr207Ala; replaces threonine 207 with alanine.
Molecular consequence: missense variant.
Genome position (GRCh38, 1-based): chr5:157,052,415, T>C on the plus strand (A>G on the coding strand, the complement: HAVCR1 is on the minus strand). VCF-style: chr5-157052415-T-C. GRCh37 (hg19) VCF-style: chr5-156479426-T-C.
Other names: c.619A>G, p.Thr207Ala (NM_001308156.2, NM_012206.3); short protein forms T207A.
Identifiers: ClinVar variation 3060126 (VCV003060126.2), dbSNP rs12522248, ClinGen allele CA3531533.